The following is an entry in ClinVar:

ClinVar aggregate classification (germline): Uncertain significance. Review status: criteria provided, multiple submitters, no conflicts (2 of 4 stars). 3 submissions from 3 submitters: Uncertain significance (3). Last evaluated 2024-12-19.

Conditions:
Hereditary cancer-predisposing syndrome. Also called: Hereditary neoplastic syndrome; Neoplastic Syndromes, Hereditary; Tumor predisposition; Hereditary Cancer Syndrome. Identifiers: Orphanet 140162, MedGen C0027672, MeSH D009386, MONDO:0015356.
EGFR-related lung cancer (EGFR). Identifiers: MedGen CN130014.

Allele frequency attached by ClinVar (database versions not stated): TOPMed below 0.00001.

Submissions (3):

Ambry Genetics
Classification: Uncertain significance for Hereditary cancer-predisposing syndrome. Last evaluated: 2024-12-19. Review status: criteria provided, single submitter. Criteria: Ambry Variant Classification Scheme 2023. Collection method: clinical testing. Allele origin: germline.
Comment: The p.I456T variant (also known as c.1367T>C), located in coding exon 12 of the EGFR gene, results from a T to C substitution at nucleotide position 1367. The isoleucine at codon 456 is replaced by threonine, an amino acid with similar properties. This amino acid position is highly conserved in available vertebrate species. In addition, this alteration is predicted to be deleterious by in silico analysis. Based on the available evidence, the clinical significance of this variant remains unclear.

Labcorp Genetics (formerly Invitae), Labcorp
Classification: Uncertain significance for EGFR-related lung cancer. Last evaluated: 2023-04-08. Review status: criteria provided, single submitter. Criteria: Invitae Variant Classification Sherloc (09022015). Collection method: clinical testing. Allele origin: germline.
Comment: This sequence change replaces isoleucine, which is neutral and non-polar, with threonine, which is neutral and polar, at codon 456 of the EGFR protein (p.Ile456Thr). This variant is not present in population databases (gnomAD no frequency). This variant has not been reported in the literature in individuals affected with EGFR-related conditions. ClinVar contains an entry for this variant (Variation ID: 1316618). Advanced modeling of protein sequence and biophysical properties (such as structural, functional, and spatial information, amino acid conservation, physicochemical variation, residue mobility, and thermodynamic stability) performed at Invitae indicates that this missense variant is expected to disrupt EGFR protein function. In summary, the available evidence is currently insufficient to determine the role of this variant in disease. Therefore, it has been classified as a Variant of Uncertain Significance.

GeneDx
Classification: Uncertain significance. Last evaluated: 2019-12-18. Review status: criteria provided, single submitter. Criteria: GeneDx Variant Classification Process June 2021. Collection method: clinical testing. Allele origin: germline. Affected: yes.
Comment: Not observed in large population cohorts (Lek 2016); In silico analysis, which includes protein predictors and evolutionary conservation, supports a deleterious effect; Has not been previously published as pathogenic or benign to our knowledge

NM_005228.5(EGFR):c.1367T>C (p.Ile456Thr)

Gene: EGFR (epidermal growth factor receptor; plus strand). Cytogenetic location: 7p11.2.
Variant type: single nucleotide variant.
Coding change: c.1367T>C on transcript NM_005228.5 (MANE Select); coding-DNA position 1367, T replaced by C.
Protein change: p.Ile456Thr; replaces isoleucine 456 with threonine.
Molecular consequence: missense variant.
Genome position (GRCh38, 1-based): chr7:55,160,207, T>C. VCF-style: chr7-55160207-T-C. GRCh37 (hg19) VCF-style: chr7-55227900-T-C.
Other names: c.1232T>C, p.Ile411Thr (NM_001346897.2, NM_001346899.2); c.1367T>C, p.Ile456Thr (NM_001346898.2, NM_201282.2, NM_201284.2); c.1208T>C, p.Ile403Thr (NM_001346900.2); c.566T>C, p.Ile189Thr (NM_001346941.2); short protein forms I189T, I403T, I411T, I456T.
Identifiers: ClinVar variation 1316618 (VCV001316618.11), dbSNP rs1177337471, ClinGen allele CA367579450.